The following is an entry in ClinVar:

NM_007294.4(BRCA1):c.5074+9A>G

Gene: BRCA1 (BRCA1 DNA repair associated; minus strand). Cytogenetic location: 17q21.31.
Variant type: single nucleotide variant.
Coding change: c.5074+9A>G on transcript NM_007294.4 (MANE Select); 9 bases into the intron after coding-DNA position 5074, A replaced by G.
Molecular consequence: intron variant.
Genome position (GRCh38, 1-based): chr17:43,067,599, T>C on the plus strand (A>G on the coding strand, the complement: BRCA1 is on the minus strand). VCF-style: chr17-43067599-T-C. GRCh37 (hg19) VCF-style: chr17-41219616-T-C.
Other names: c.4951+9A>G (NM_001407667.1, NM_001407668.1, NM_001407664.1 and 6 more transcripts); c.1645+9A>G (NM_001408423.1, NM_001408421.1, NM_001408424.1 and 1 more transcripts); c.1648+9A>G (NM_001408420.1, NM_001408419.1, NM_001408418.1); c.1759+9A>G (NM_001408404.1, NM_001408402.1, NM_001408473.1 and 8 more transcripts); c.1762+9A>G (NM_001408472.1, NM_001407990.1, NM_007299.4 and 12 more transcripts); c.1765+9A>G (NM_001407974.1, NM_001407973.1, NM_001407975.1 and 3 more transcripts); c.2467+9A>G (NM_001407969.1); c.2470+9A>G (NM_001407968.1); and 71 more.
Identifiers: ClinVar variation 868995 (VCV000868995.3), dbSNP rs2052153659, ClinGen allele CA916080145.

Conditions:
Breast-ovarian cancer, familial, susceptibility to, 1 (BROVCA1). Also called: BRCA1 Hereditary Breast and Ovarian Cancer; OVARIAN CANCER, SUSCEPTIBILITY TO. Identifiers: Orphanet 145, MedGen C2676676, MONDO:0011450, OMIM 604370. Disease mechanism: loss of function.

Allele frequency attached by ClinVar (database versions not stated): gnomAD exomes below 0.00001.
gnomAD v4.1: 2 of 1,594,242 alleles (0.00013%); highest among the groups gnomAD compares: Non-Finnish European, 0.00017%; no homozygotes.

Submission:

Brotman Baty Institute, University of Washington
No classification provided (evidence only). Condition: Breast-ovarian cancer, familial 1. Review status: no classification provided. Collection method: in vitro. Allele origin: not applicable. Functional consequence: functionally_normal.
ClinVar note: "not provided" was previously submitted as the classification for the variant. However, the classification appeared to be based only on an observation of functional data so it was converted to no classification on 2025-07-30.